The following is an entry in ClinVar:

ClinVar aggregate classification (germline): Likely benign. Review status: criteria provided, single submitter (1 of 4 stars). 2 submissions from 2 submitters: Likely benign (1). 1 of the submissions does not count toward it. Last evaluated 2024-11-21.

Conditions:
CBLB-related disorder. Also called: CBLB-related condition.

Allele frequency attached by ClinVar (database versions not stated): ESP Exome Variant Server 0.00023; gnomAD exomes 0.00077; gnomAD 0.00109; TOPMed 0.00121; ExAC 0.00194; 1000 Genomes Project 0.00419; 1000 Genomes Project 30x 0.00468.
gnomAD v4.1: 1,296 of 1,614,096 alleles (0.08%); highest among the groups gnomAD compares: East Asian, 2.3%; 9 homozygotes.

Submissions (2):

Blueprint Genetics
Classification: Likely benign. Last evaluated: 2024-11-21. Review status: criteria provided, single submitter. Criteria: ACMG Guidelines, 2015. Collection method: clinical testing. Allele origin: germline.

PreventionGenetics, part of Exact Sciences
Classification: Benign for CBLB-related condition. Last evaluated: 2019-10-28. Review status: no assertion criteria provided. Collection method: clinical testing. Allele origin: germline. Not counted in ClinVar's aggregate classification.
Comment: This variant is classified as benign based on ACMG/AMP sequence variant interpretation guidelines (Richards et al. 2015 PMID: 25741868, with internal and published modifications).

NM_170662.5(CBLB):c.2331A>G (p.Pro777=)

Gene: CBLB (Cbl proto-oncogene B; minus strand). Cytogenetic location: 3q13.11.
Variant type: single nucleotide variant.
Coding change: c.2331A>G on transcript NM_170662.5 (MANE Select); coding-DNA position 2331, A replaced by G.
Protein change: p.Pro777=; no amino-acid change (proline 777 retained).
Molecular consequence: synonymous variant. On other transcripts: non-coding transcript variant (5), intron variant (9).
Genome position (GRCh38, 1-based): chr3:105,681,576, T>C on the plus strand (A>G on the coding strand, the complement: CBLB is on the minus strand). VCF-style: chr3-105681576-T-C. GRCh37 (hg19) VCF-style: chr3-105400420-T-C.
Other names: c.2415A>G, p.Pro805= (NM_001321786.1); c.2331A>G, p.Pro777= (NM_001321788.2); c.2268A>G, p.Pro756= (NM_001321789.1); c.2184A>G, p.Pro728= (NM_001321794.2, NM_001321795.2, NM_001321796.2); c.1551A>G, p.Pro517= (NM_001321806.2, NM_001321807.2); c.1404A>G, p.Pro468= (NM_001321811.2, NM_001321813.1); c.1002A>G, p.Pro334= (NM_001321822.2); c.2362+148A>G (NM_001321790.2); and 5 more.
Identifiers: ClinVar variation 3040464 (VCV003040464.3), dbSNP rs56310324, ClinGen allele CA2524497.